The following is an entry in ClinVar:

NM_174934.4(SCN4B):c.584G>A (p.Arg195Gln)

Gene: SCN4B (sodium voltage-gated channel beta subunit 4; minus strand). Cytogenetic location: 11q23.3.
Variant type: single nucleotide variant.
Coding change: c.584G>A on transcript NM_174934.4 (MANE Select); coding-DNA position 584, G replaced by A.
Protein change: p.Arg195Gln; replaces arginine 195 with glutamine.
Molecular consequence: missense variant. On other transcripts: non-coding transcript variant (1).
Genome position (GRCh38, 1-based): chr11:118,141,216, C>T on the plus strand (G>A on the coding strand, the complement: SCN4B is on the minus strand). VCF-style: chr11-118141216-C-T. GRCh37 (hg19) VCF-style: chr11-118011931-C-T.
Other names: c.182G>A, p.Arg61Gln (NM_001142348.2); c.254G>A, p.Arg85Gln (NM_001142349.2); short protein forms R61Q, R85Q, R195Q.
Identifiers: ClinVar variation 2702264 (VCV002702264.5), dbSNP rs755915465, ClinGen allele CA6300163.
Genomic context (GRCh38, chr11:118,141,216, plus strand): 5'-AGAGGGTGGTGGGCTGCTGGGAGGACAGGAGTGTGCTCCAGATCAACTCACTTCTTCTCC[C>T]GAGTCTTCTTCAGGATGAAGATGATGAGTTTCTTGATCAGCAGGATGAGGATGAGGAGCC-3'
Protein context (NP_777594.1, residues 185-205): KLIIFILKKT[Arg195Gln]EKKKECLVSS

ClinVar aggregate classification (germline): Conflicting classifications of pathogenicity. Review status: criteria provided, conflicting classifications (1 of 4 stars). 3 submissions from 3 submitters: Uncertain significance (1); Likely benign (2). Last evaluated 2024-04-28.

Conditions:
Cardiovascular phenotype. Identifiers: MedGen CN230736.
Long QT syndrome 10 (LQT10). Identifiers: Orphanet 101016, Orphanet 768, MedGen C2678484, MONDO:0012737, OMIM 611819.

Submissions (3):

Ambry Genetics
Classification: Likely benign for Cardiovascular phenotype. Last evaluated: 2024-04-28. Review status: criteria provided, single submitter. Criteria: Ambry Variant Classification Scheme 2023. Collection method: clinical testing. Allele origin: germline.

Labcorp Genetics (formerly Invitae), Labcorp
Classification: Uncertain significance for Long QT syndrome 10. Last evaluated: 2023-09-30. Review status: criteria provided, single submitter. Criteria: Invitae Variant Classification Sherloc (09022015). Collection method: clinical testing. Allele origin: germline.
Comment: This sequence change replaces arginine, which is basic and polar, with glutamine, which is neutral and polar, at codon 195 of the SCN4B protein (p.Arg195Gln). This variant is present in population databases (rs755915465, gnomAD 0.003%). This variant has not been reported in the literature in individuals affected with SCN4B-related conditions. Algorithms developed to predict the effect of missense changes on protein structure and function output the following: SIFT: "Not Available"; PolyPhen-2: "Benign"; Align-GVGD: "Not Available". The glutamine amino acid residue is found in multiple mammalian species, which suggests that this missense change does not adversely affect protein function. In summary, the available evidence is currently insufficient to determine the role of this variant in disease. Therefore, it has been classified as a Variant of Uncertain Significance.

Blueprint Genetics
Classification: Likely benign. Last evaluated: 2018-10-02. Review status: criteria provided, single submitter. Criteria: ACMG Guidelines, 2015. Collection method: clinical testing. Allele origin: germline.